The following is an entry in ClinVar:

NM_000051.4(ATM):c.4436+5A>G

Gene: ATM (ATM serine/threonine kinase; plus strand). Cytogenetic location: 11q22.3.
Variant type: single nucleotide variant.
Coding change: c.4436+5A>G on transcript NM_000051.4 (MANE Select); 5 bases into the intron after coding-DNA position 4436, A replaced by G.
Molecular consequence: intron variant.
Genome position (GRCh38, 1-based): chr11:108,289,806, A>G. VCF-style: chr11-108289806-A-G. GRCh37 (hg19) VCF-style: chr11-108160533-A-G.
Other names: c.4436+5A>G (NM_000051.3, NM_001351834.2).
Identifiers: ClinVar variation 1024905 (VCV001024905.10), dbSNP rs2082687178, ClinGen allele CA1998785861.

ClinVar aggregate classification (germline): Conflicting classifications of pathogenicity. Review status: criteria provided, conflicting classifications (1 of 4 stars). 3 submissions from 3 submitters: Uncertain significance (1); Likely benign (2). Last evaluated 2025-09-10.

Conditions:
Ataxia-telangiectasia syndrome (AT). Also called: ATAXIA-TELANGIECTASIA, FRESNO VARIANT; Ataxia-telangiectasia, complementation group D; AT, COMPLEMENTATION GROUP C; Cerebello-oculocutaneous telangiectasia; Immunodeficiency with ataxia telangiectasia; Ataxia telangiectasia (A-T). Identifiers: Orphanet 100, MedGen C0004135, MONDO:0008840, OMIM 208900.
Hereditary cancer-predisposing syndrome. Also called: Hereditary neoplastic syndrome; Neoplastic Syndromes, Hereditary; Tumor predisposition; Hereditary Cancer Syndrome. Identifiers: Orphanet 140162, MedGen C0027672, MeSH D009386, MONDO:0015356.
Familial cancer of breast. Also called: BREAST CANCER, FAMILIAL; hereditary breast carcinoma; Hereditary breast cancer. Identifiers: Orphanet 227535, MedGen C0346153, MONDO:0016419, OMIM 114480. Disease mechanism: loss of function.

Submissions (3):

Ambry Genetics
Classification: Uncertain significance for Hereditary cancer-predisposing syndrome. Last evaluated: 2025-09-10. Review status: criteria provided, single submitter. Criteria: Ambry Variant Classification Scheme 2023. Collection method: clinical testing. Allele origin: germline.
Comment: The c.4436+5A>G intronic variant results from an A to G substitution 5 nucleotides after coding exon 28 in the ATM gene. This nucleotide position is not well conserved in available vertebrate species. In silico splice site analysis predicts that this alteration will not have any significant effect on splicing. Based on the available evidence, the clinical significance of this variant remains unclear.

Labcorp Genetics (formerly Invitae), Labcorp
Classification: Likely benign for Ataxia-telangiectasia syndrome. Last evaluated: 2025-04-27. Review status: criteria provided, single submitter. Criteria: Invitae Variant Classification Sherloc (09022015). Collection method: clinical testing. Allele origin: germline.

Myriad Genetics, Inc.
Classification: Likely benign for Familial cancer of breast. Last evaluated: 2024-05-17. Review status: criteria provided, single submitter. Criteria: Myriad Autosomal Dominant, Autosomal Recessive and X-Linked Classification Criteria (2023). Collection method: clinical testing. Allele origin: unknown.
Comment: This variant is considered likely benign. This variant is intronic and is not expected to impact mRNA splicing.